The following is an entry in ClinVar:

NM_016938.5(EFEMP2):c.7C>T (p.Pro3Ser)

Gene: EFEMP2 (EGF-like fibulin extracellular matrix protein 2; minus strand). Cytogenetic location: 11q13.1.
Variant type: single nucleotide variant.
Coding change: c.7C>T on transcript NM_016938.5 (MANE Select); coding-DNA position 7, C replaced by T.
Protein change: p.Pro3Ser; replaces proline 3 with serine.
Molecular consequence: missense variant. On other transcripts: non-coding transcript variant (1).
Genome position (GRCh38, 1-based): chr11:65,872,348, G>A on the plus strand (C>T on the coding strand, the complement: EFEMP2 is on the minus strand). VCF-style: chr11-65872348-G-A. GRCh37 (hg19) VCF-style: chr11-65639819-G-A.
Other names: short protein forms P3S.
Identifiers: ClinVar variation 2043160 (VCV002043160.4), dbSNP rs1436359315, ClinGen allele CA381311856.
Genomic context (GRCh38, chr11:65,872,348, plus strand): 5'-CCAAGAGCAACAGTAGCAGCGCCCAGAGCAGTAGAGACCCGGGTAGGCAGGAGGCGCAGG[G>A]GAGCATCCTGGGGCTGCGAGATGGTGGACACGGGTCAGGGGCCTCTGCCCGCGGCACCTC-3'
Protein context (NP_058634.4, residues 1-13): ML[Pro3Ser]CASCLPGSLL

ClinVar aggregate classification (germline): Uncertain significance (1 of 4 stars; one submission).

Conditions:
Cutis laxa, autosomal recessive, type 1B (ARCL1B). Also called: EFEMP2-Related Cutis Laxa; CUTIS LAXA, AUTOSOMAL RECESSIVE, TYPE IB. Identifiers: Orphanet 90349, MedGen C3280798, MONDO:0013754, OMIM 614437. Disease mechanism: loss of function.

Allele frequency attached by ClinVar (database versions not stated): TOPMed 0.00002.
gnomAD v4.1: 21 of 1,550,334 alleles (0.0014%); highest among the groups gnomAD compares: Non-Finnish European, 0.0017%; no homozygotes.

Submission:

Labcorp Genetics (formerly Invitae), Labcorp
Classification: Uncertain significance for Cutis laxa, autosomal recessive, type 1B. Last evaluated: 2024-08-27. Review status: criteria provided, single submitter. Criteria: Invitae Variant Classification Sherloc (09022015). Collection method: clinical testing. Allele origin: germline.
Comment: This sequence change replaces proline, which is neutral and non-polar, with serine, which is neutral and polar, at codon 3 of the EFEMP2 protein (p.Pro3Ser). This variant is present in population databases (no rsID available, gnomAD 0.002%). This variant has not been reported in the literature in individuals affected with EFEMP2-related conditions. ClinVar contains an entry for this variant (Variation ID: 2043160). An algorithm developed to predict the effect of missense changes on protein structure and function (PolyPhen-2) suggests that this variant is likely to be disruptive. In summary, the available evidence is currently insufficient to determine the role of this variant in disease. Therefore, it has been classified as a Variant of Uncertain Significance.